The following is an entry in ClinVar:

ClinVar aggregate classification (germline): Uncertain significance (1 of 4 stars; one submission).

Conditions:
Cholestanol storage disease (CTX). Also called: CEREBRAL CHOLESTERINOSIS; Cerebrotendinous Xanthomatosis; CTX: Cerebrotendinous xanthomatosis. Identifiers: Orphanet 909, MedGen C0238052, MONDO:0008948, OMIM 213700.

Submission:

Labcorp Genetics (formerly Invitae), Labcorp
Classification: Uncertain significance for Cholestanol storage disease. Last evaluated: 2023-12-21. Review status: criteria provided, single submitter. Criteria: Invitae Variant Classification Sherloc (09022015). Collection method: clinical testing. Allele origin: germline.
Comment: This sequence change replaces leucine, which is neutral and non-polar, with proline, which is neutral and non-polar, at codon 9 of the CYP27A1 protein (p.Leu9Pro). This variant is not present in population databases (gnomAD no frequency). This variant has not been reported in the literature in individuals affected with CYP27A1-related conditions. ClinVar contains an entry for this variant (Variation ID: 1716015). Advanced modeling of protein sequence and biophysical properties (such as structural, functional, and spatial information, amino acid conservation, physicochemical variation, residue mobility, and thermodynamic stability) performed at Invitae indicates that this missense variant is not expected to disrupt CYP27A1 protein function with a negative predictive value of 95%. In summary, the available evidence is currently insufficient to determine the role of this variant in disease. Therefore, it has been classified as a Variant of Uncertain Significance.

NM_000784.4(CYP27A1):c.26T>C (p.Leu9Pro)

Gene: CYP27A1 (cytochrome P450 family 27 subfamily A member 1; plus strand). Cytogenetic location: 2q35.
Variant type: single nucleotide variant.
Coding change: c.26T>C on transcript NM_000784.4 (MANE Select); coding-DNA position 26, T replaced by C.
Protein change: p.Leu9Pro; replaces leucine 9 with proline.
Molecular consequence: missense variant.
Genome position (GRCh38, 1-based): chr2:218,782,208, T>C. VCF-style: chr2-218782208-T-C. GRCh37 (hg19) VCF-style: chr2-219646931-T-C.
Other names: short protein forms L9P.
Identifiers: ClinVar variation 1716015 (VCV001716015.5), dbSNP rs2470201632, ClinGen allele CA350575385.